The following is an entry in ClinVar:

NM_018417.6(ADCY10):c.4754T>C (p.Val1585Ala)

Gene: ADCY10 (adenylate cyclase 10; minus strand). Cytogenetic location: 1q24.2.
Variant type: single nucleotide variant.
Coding change: c.4754T>C on transcript NM_018417.6 (MANE Select); coding-DNA position 4754, T replaced by C.
Protein change: p.Val1585Ala; replaces valine 1585 with alanine.
Molecular consequence: missense variant.
Genome position (GRCh38, 1-based): chr1:167,809,757, A>G on the plus strand (T>C on the coding strand, the complement: ADCY10 is on the minus strand). VCF-style: chr1-167809757-A-G. GRCh37 (hg19) VCF-style: chr1-167778994-A-G.
Other names: c.4295T>C, p.Val1432Ala (NM_001167749.3); c.4478T>C, p.Val1493Ala (NM_001297772.2); short protein forms V1585A, V1432A, V1493A.
Identifiers: ClinVar variation 2161315 (VCV002161315.7), dbSNP rs201210676, ClinGen allele CA1226922.

ClinVar aggregate classification (germline): Uncertain significance. Review status: criteria provided, multiple submitters, no conflicts (2 of 4 stars). 2 submissions from 2 submitters: Uncertain significance (2). Last evaluated 2025-10-19.

Allele frequency attached by ClinVar (database versions not stated): TOPMed 0.00002; gnomAD 0.00008; gnomAD exomes 0.00008; ExAC 0.00016.
gnomAD v4.1: 137 of 1,614,064 alleles (0.0085%); highest among the groups gnomAD compares: Non-Finnish European, 0.0058%; no homozygotes.

Submissions (2):

Labcorp Genetics (formerly Invitae), Labcorp
Classification: Uncertain significance. Last evaluated: 2025-10-19. Review status: criteria provided, single submitter. Criteria: Invitae Variant Classification Sherloc (09022015). Collection method: clinical testing. Allele origin: germline.
Comment: This sequence change replaces valine, which is neutral and non-polar, with alanine, which is neutral and non-polar, at codon 1585 of the ADCY10 protein (p.Val1585Ala). This variant is present in population databases (rs201210676, gnomAD 0.09%), and has an allele count higher than expected for a pathogenic variant. This variant has not been reported in the literature in individuals affected with ADCY10-related conditions. ClinVar contains an entry for this variant (Variation ID: 2161315). An algorithm developed to predict the effect of missense changes on protein structure and function outputs the following: PolyPhen-2: "Benign". The alanine amino acid residue is found in multiple mammalian species, which suggests that this missense change does not adversely affect protein function. Algorithms developed to predict the effect of sequence changes on RNA splicing suggest that this variant may create or strengthen a splice site. In summary, the available evidence is currently insufficient to determine the role of this variant in disease. Therefore, it has been classified as a Variant of Uncertain Significance.

Ambry Genetics
Classification: Uncertain significance. Last evaluated: 2025-08-06. Review status: criteria provided, single submitter. Criteria: Ambry Variant Classification Scheme 2023. Collection method: clinical testing. Allele origin: germline.